The following is an entry in ClinVar:

NM_001023570.4(IQCB1):c.142A>G (p.Lys48Glu)

Gene: IQCB1 (IQ motif containing B1; minus strand). Cytogenetic location: 3q13.33.
Variant type: single nucleotide variant.
Coding change: c.142A>G on transcript NM_001023570.4 (MANE Select); coding-DNA position 142, A replaced by G.
Protein change: p.Lys48Glu; replaces lysine 48 with glutamic acid.
Molecular consequence: missense variant. On other transcripts: non-coding transcript variant (1).
Genome position (GRCh38, 1-based): chr3:121,828,591, T>C on the plus strand (A>G on the coding strand, the complement: IQCB1 is on the minus strand). VCF-style: chr3-121828591-T-C. GRCh37 (hg19) VCF-style: chr3-121547438-T-C.
Other names: c.142A>G, p.Lys48Glu (NM_001023571.4, NM_001319107.2); short protein forms K48E.
Identifiers: ClinVar variation 1929064 (VCV001929064.6), dbSNP rs2472527763, ClinGen allele CA354114135.

ClinVar aggregate classification (germline): Uncertain significance. Review status: criteria provided, multiple submitters, no conflicts (2 of 4 stars). 2 submissions from 2 submitters: Uncertain significance (2). Last evaluated 2024-10-29.

Conditions:
Nephronophthisis. Also called: Juvenile Nephronophthisis. Identifiers: Orphanet 655, MedGen C0687120, MONDO:0019005, HP:0000090.

Submissions (2):

Labcorp Genetics (formerly Invitae), Labcorp
Classification: Uncertain significance for Nephronophthisis. Last evaluated: 2024-10-29. Review status: criteria provided, single submitter. Criteria: Invitae Variant Classification Sherloc (09022015). Collection method: clinical testing. Allele origin: germline.
Comment: This sequence change replaces lysine, which is basic and polar, with glutamic acid, which is acidic and polar, at codon 48 of the IQCB1 protein (p.Lys48Glu). This variant is not present in population databases (gnomAD no frequency). This variant has not been reported in the literature in individuals affected with IQCB1-related conditions. ClinVar contains an entry for this variant (Variation ID: 1929064). Invitae Evidence Modeling of protein sequence and biophysical properties (such as structural, functional, and spatial information, amino acid conservation, physicochemical variation, residue mobility, and thermodynamic stability) indicates that this missense variant is not expected to disrupt IQCB1 protein function with a negative predictive value of 80%. In summary, the available evidence is currently insufficient to determine the role of this variant in disease. Therefore, it has been classified as a Variant of Uncertain Significance.

Blueprint Genetics
Classification: Uncertain significance. Last evaluated: 2024-09-20. Review status: criteria provided, single submitter. Criteria: ACMG Guidelines, 2015. Collection method: clinical testing. Allele origin: germline.